The following is an entry in ClinVar:

ClinVar aggregate classification (germline): Uncertain significance. Review status: criteria provided, multiple submitters, no conflicts (2 of 4 stars). 2 submissions from 2 submitters: Uncertain significance (2). Last evaluated 2022-08-31.

Conditions:
Mucopolysaccharidosis type 6 (MPS6). Also called: N-ACETYLGALACTOSAMINE-4-SULFATASE DEFICIENCY; MPS 6; Maroteaux Lamy syndrome; MPS VI; ARSB DEFICIENCY; ARYLSULFATASE B DEFICIENCY. Identifiers: Orphanet 583, MedGen C0026709, MONDO:0009661, OMIM 253200.

Allele frequency attached by ClinVar (database versions not stated): ExAC 0.00001; gnomAD 0.00001; gnomAD exomes 0.00001; TOPMed 0.00001.
gnomAD v4.1: 16 of 1,613,762 alleles (0.00099%); highest among the groups gnomAD compares: South Asian, 0.0099%; no homozygotes.

Submissions (2):

Labcorp Genetics (formerly Invitae), Labcorp
Classification: Uncertain significance for Mucopolysaccharidosis type 6. Last evaluated: 2022-08-31. Review status: criteria provided, single submitter. Criteria: Invitae Variant Classification Sherloc (09022015). Collection method: clinical testing. Allele origin: germline.
Comment: This sequence change replaces arginine, which is basic and polar, with cysteine, which is neutral and slightly polar, at codon 180 of the ARSB protein (p.Arg180Cys). This variant is present in population databases (rs749405464, gnomAD 0.006%). This variant has not been reported in the literature in individuals affected with ARSB-related conditions. Advanced modeling of protein sequence and biophysical properties (such as structural, functional, and spatial information, amino acid conservation, physicochemical variation, residue mobility, and thermodynamic stability) performed at Invitae indicates that this missense variant is expected to disrupt ARSB protein function. In summary, the available evidence is currently insufficient to determine the role of this variant in disease. Therefore, it has been classified as a Variant of Uncertain Significance.

Revvity Omics, Revvity
Classification: Uncertain significance for Mucopolysaccharidosis type 6. Last evaluated: 2020-09-25. Review status: criteria provided, single submitter. Criteria: ACMG Guidelines, 2015. Collection method: clinical testing. Allele origin: germline.

NM_000046.5(ARSB):c.538C>T (p.Arg180Cys)

Gene: ARSB (arylsulfatase B; minus strand). Cytogenetic location: 5q14.1.
Variant type: single nucleotide variant.
Coding change: c.538C>T on transcript NM_000046.5 (MANE Select); coding-DNA position 538, C replaced by T.
Protein change: p.Arg180Cys; replaces arginine 180 with cysteine.
Molecular consequence: missense variant.
Genome position (GRCh38, 1-based): chr5:78,964,568, G>A on the plus strand (C>T on the coding strand, the complement: ARSB is on the minus strand). VCF-style: chr5-78964568-G-A. GRCh37 (hg19) VCF-style: chr5-78260391-G-A.
Other names: c.538C>T (NM_000046.3); c.538C>T, p.Arg180Cys (NM_198709.3); short protein forms R180C.
Identifiers: ClinVar variation 2414076 (VCV002414076.8), dbSNP rs749405464, ClinGen allele CA3318236.
Genomic context (GRCh38, chr5:78,964,568, plus strand): 5'-CGCCATCTCGAAAATCAAGAGCACATCGTGTGACATTCAGAGCGTCAATTAATGTACAGC[G>A]TTCATGGGAATAATAATCTTCACTACCCAGGAGATATCCTGCAAGAATGGAAGACGAAAA-3'
Protein context (NP_000037.2, residues 170-190): LGSEDYYSHE[Arg180Cys]CTLIDALNVT